The following is an entry in ClinVar:

NM_016343.4(CENPF):c.2126T>A (p.Phe709Tyr)

Gene: CENPF (centromere protein F; plus strand). Cytogenetic location: 1q41.
Variant type: single nucleotide variant.
Coding change: c.2126T>A on transcript NM_016343.4 (MANE Select); coding-DNA position 2126, T replaced by A.
Protein change: p.Phe709Tyr; replaces phenylalanine 709 with tyrosine.
Molecular consequence: missense variant.
Genome position (GRCh38, 1-based): chr1:214,640,464, T>A. VCF-style: chr1-214640464-T-A. GRCh37 (hg19) VCF-style: chr1-214813807-T-A.
Other names: short protein forms F709Y.
Identifiers: ClinVar variation 4868718 (VCV004868718.1).

ClinVar aggregate classification (germline): Uncertain significance (1 of 4 stars; one submission).

Conditions:
Inborn genetic diseases. Identifiers: MedGen C0950123, MeSH D030342.

gnomAD v4.1: 2 of 1,613,972 alleles (0.00012%); highest among the groups gnomAD compares: Non-Finnish European, 0.00017%; no homozygotes.

Submission:

Ambry Genetics
Classification: Uncertain significance for Inborn genetic diseases. Last evaluated: 2026-05-20. Review status: criteria provided, single submitter. Criteria: Ambry Variant Classification Scheme 2023. Collection method: clinical testing. Allele origin: germline.
Comment: The c.2126T>A (p.F709Y) alteration is located in exon 12 (coding exon 11) of the CENPF gene. This alteration results from a T to A substitution at nucleotide position 2126, causing the phenylalanine (F) at amino acid position 709 to be replaced by a tyrosine (Y). Based on data from gnomAD, the A allele has an overall frequency of <0.001% (1/250548) total alleles studied. The highest observed frequency was 0.001% (1/113106) of European (non-Finnish) alleles. Based on insufficient or conflicting evidence, the clinical significance of this alteration remains unclear.